The following is an entry in ClinVar:

ClinVar aggregate classification (germline): Uncertain significance (1 of 4 stars; one submission).

Conditions:
Deafness-lymphedema-leukemia syndrome. Also called: Emberger syndrome; Lymphedema, primary, with myelodysplasia. Identifiers: Orphanet 3226, MedGen C3279664, MONDO:0013540, OMIM 614038.
Monocytopenia with susceptibility to infections. Also called: MONOCYTOPENIA AND MYCOBACTERIAL INFECTION SYNDROME; MONOCYTOPENIA WITH SUSCEPTIBILITY TO MYCOBACTERIAL, FUNGAL, AND PAPILLOMAVIRUS INFECTIONS AND MYELODYSPLASIA; COMBINED IMMUNODEFICIENCY WITH SUSCEPTIBILITY TO MYCOBACTERIAL, VIRAL, AND FUNGAL INFECTIONS; Dendritic cell, monocyte, B lymphocyte, and natural killer lymphocyte deficiency; IMMUNODEFICIENCY 21; GATA2 DEFICIENCY. Identifiers: Orphanet 228423, MedGen C3280030, MONDO:0013607, OMIM 614172.

Submission:

Labcorp Genetics (formerly Invitae), Labcorp
Classification: Uncertain significance for Monocytopenia with susceptibility to infections; Deafness-lymphedema-leukemia syndrome. Last evaluated: 2022-08-19. Review status: criteria provided, single submitter. Criteria: Invitae Variant Classification Sherloc (09022015). Collection method: clinical testing. Allele origin: germline.
Comment: Algorithms developed to predict the effect of missense changes on protein structure and function are either unavailable or do not agree on the potential impact of this missense change (SIFT: "Tolerated"; PolyPhen-2: "Probably Damaging"; Align-GVGD: "Class C0"). This sequence change replaces proline, which is neutral and non-polar, with arginine, which is basic and polar, at codon 247 of the GATA2 protein (p.Pro247Arg). This variant is not present in population databases (gnomAD no frequency). This variant has not been reported in the literature in individuals affected with GATA2-related conditions. In summary, the available evidence is currently insufficient to determine the role of this variant in disease. Therefore, it has been classified as a Variant of Uncertain Significance.

NM_032638.5(GATA2):c.740C>G (p.Pro247Arg)

Gene: GATA2 (GATA binding protein 2; minus strand). Cytogenetic location: 3q21.3.
Variant type: single nucleotide variant.
Coding change: c.740C>G on transcript NM_032638.5 (MANE Select); coding-DNA position 740, C replaced by G.
Protein change: p.Pro247Arg; replaces proline 247 with arginine.
Molecular consequence: missense variant.
Genome position (GRCh38, 1-based): chr3:128,485,858, G>C on the plus strand (C>G on the coding strand, the complement: GATA2 is on the minus strand). VCF-style: chr3-128485858-G-C. GRCh37 (hg19) VCF-style: chr3-128204701-G-C.
Other names: c.740C>G, p.Pro247Arg (NM_001145661.2, NM_001145662.1); short protein forms P247R.
Identifiers: ClinVar variation 1716768 (VCV001716768.5), dbSNP rs2068688361, ClinGen allele CA354406079.
Genomic context (GRCh38, chr3:128,485,858, plus strand): 5'-GGGTGGAAGAGTCCGCTGCTGTAGTCGTGGGCAGCCGCCGGCACATAGGAGGGGTAGGTG[G>C]GGATGGGGTGGTGTGTAGCAGGCTGGGTGCCCATAGTAGCTAGGCCTGGGCGCAGGGGAC-3'
Protein context (NP_116027.2, residues 237-257): GTQPATHHPI[Pro247Arg]TYPSYVPAAA